The following is an entry in ClinVar:

ClinVar aggregate classification (germline): Uncertain significance (1 of 4 stars; one submission).

Allele frequency attached by ClinVar (database versions not stated): TOPMed below 0.00001; gnomAD exomes 0.00003 and 0.00007; ExAC 0.00004.

Submission:

Labcorp Genetics (formerly Invitae), Labcorp
Classification: Uncertain significance. Last evaluated: 2024-01-18. Review status: criteria provided, single submitter. Criteria: Invitae Variant Classification Sherloc (09022015). Collection method: clinical testing. Allele origin: germline.
Comment: This sequence change replaces glycine, which is neutral and non-polar, with alanine, which is neutral and non-polar, at codon 198 of the EXOSC2 protein (p.Gly198Ala). This variant is present in population databases (rs756204866, gnomAD 0.04%). This variant has not been reported in the literature in individuals affected with EXOSC2-related conditions. ClinVar contains an entry for this variant (Variation ID: 1046182). Advanced modeling of protein sequence and biophysical properties (such as structural, functional, and spatial information, amino acid conservation, physicochemical variation, residue mobility, and thermodynamic stability) performed at Invitae indicates that this missense variant is not expected to disrupt EXOSC2 protein function with a negative predictive value of 80%. In summary, the available evidence is currently insufficient to determine the role of this variant in disease. Therefore, it has been classified as a Variant of Uncertain Significance.

NM_014285.7(EXOSC2):c.593G>C (p.Gly198Ala)

Gene: EXOSC2 (exosome component 2; plus strand). Cytogenetic location: 9q34.12.
Variant type: single nucleotide variant.
Coding change: c.593G>C on transcript NM_014285.7 (MANE Select); coding-DNA position 593, G replaced by C.
Protein change: p.Gly198Ala; replaces glycine 198 with alanine.
Molecular consequence: missense variant. On other transcripts: non-coding transcript variant (1).
Genome position (GRCh38, 1-based): chr9:130,702,231, G>C. VCF-style: chr9-130702231-G-C. GRCh37 (hg19) VCF-style: chr9-133577618-G-C.
Other names: c.515G>C, p.Gly172Ala (NM_001282708.1); c.503G>C, p.Gly168Ala (NM_001282709.1); short protein forms G198A, G172A, G168A.
Identifiers: ClinVar variation 1046182 (VCV001046182.4), dbSNP rs756204866, ClinGen allele CA5284920.